The following is an entry in ClinVar:

ClinVar aggregate classification (germline): Uncertain significance. Review status: criteria provided, multiple submitters, no conflicts (2 of 4 stars). 3 submissions from 3 submitters: Uncertain significance (3). Last evaluated 2025-04-07.

Conditions:
Cardiovascular phenotype. Identifiers: MedGen CN230736.
Hereditary cancer-predisposing syndrome. Also called: Neoplastic Syndromes, Hereditary; Tumor predisposition; Hereditary Cancer Syndrome; Hereditary neoplastic syndrome. Identifiers: Orphanet 140162, MedGen C0027672, MeSH D009386, MONDO:0015356.
Noonan syndrome 10 (NS10). Identifiers: Orphanet 648, MedGen C4225280, MONDO:0014693, OMIM 616564.

Allele frequency attached by ClinVar (database versions not stated): TOPMed below 0.00001; gnomAD 0.00001.

Submissions (3):

Ambry Genetics
Classification: Uncertain significance for Cardiovascular phenotype; Hereditary cancer-predisposing syndrome. Last evaluated: 2025-04-07. Review status: criteria provided, single submitter. Criteria: Ambry Variant Classification Scheme 2023. Collection method: clinical testing. Allele origin: germline.
Comment: The p.L824V variant (also known as c.2470C>G), located in coding exon 21 of the LZTR1 gene, results from a C to G substitution at nucleotide position 2470. The leucine at codon 824 is replaced by valine, an amino acid with highly similar properties. This amino acid position is conserved. In addition, this alteration is predicted to be tolerated by in silico analysis. Since supporting evidence is limited at this time, the clinical significance of this alteration remains unclear.

Labcorp Genetics (formerly Invitae), Labcorp
Classification: Uncertain significance. Last evaluated: 2022-06-22. Review status: criteria provided, single submitter. Criteria: Invitae Variant Classification Sherloc (09022015). Collection method: clinical testing. Allele origin: germline.
Comment: In summary, the available evidence is currently insufficient to determine the role of this variant in disease. Therefore, it has been classified as a Variant of Uncertain Significance. Algorithms developed to predict the effect of missense changes on protein structure and function (SIFT, PolyPhen-2, Align-GVGD) all suggest that this variant is likely to be tolerated. This variant has not been reported in the literature in individuals affected with LZTR1-related conditions. This variant is not present in population databases (gnomAD no frequency). This sequence change replaces leucine, which is neutral and non-polar, with valine, which is neutral and non-polar, at codon 824 of the LZTR1 protein (p.Leu824Val).

UNC Molecular Genetics  Laboratory, University of North Carolina at Chapel Hill
Classification: Uncertain significance for Noonan syndrome 10. Last evaluated: 2022-02-22. Review status: criteria provided, single submitter. Criteria: ACMG Guidelines, 2015. Collection method: research. Allele origin: maternal. Observed: 1 variant allele. Study: CSER_NCGENES_2.
Comment: LZTR1 c.2470C>G p.(Leu824Val) is a missense variant which is predicted to change a single amino acid from a leucine to a valine. This variant is absent from gnomAD v2.1.1 and is observed in gnomAD v3.1.2 with a minor allele frequency of 0.0007% (1 allele/152,234 alleles). To our knowledge, this variant has not been reported in affected individuals in the literature and is therefore classified as a variant of uncertain significance.

NM_006767.4(LZTR1):c.2470C>G (p.Leu824Val)

Gene: LZTR1 (leucine zipper like post translational regulator 1; plus strand). Cytogenetic location: 22q11.21.
Variant type: single nucleotide variant.
Coding change: c.2470C>G on transcript NM_006767.4 (MANE Select); coding-DNA position 2470, C replaced by G.
Protein change: p.Leu824Val; replaces leucine 824 with valine.
Molecular consequence: missense variant.
Genome position (GRCh38, 1-based): chr22:20,997,295, C>G. VCF-style: chr22-20997295-C-G. GRCh37 (hg19) VCF-style: chr22-21351584-C-G.
Other names: c.2470C>G (NM_006767.3); short protein forms L824V.
Identifiers: ClinVar variation 1712283 (VCV001712283.8), dbSNP rs1416835995, ClinGen allele CA410781758.